The following is an entry in ClinVar:

NM_001256789.3(CACNA1F):c.513C>A (p.Val171=)

Gene: CACNA1F (calcium voltage-gated channel subunit alpha1 F; minus strand). Cytogenetic location: Xp11.23.
Variant type: single nucleotide variant.
Coding change: c.513C>A on transcript NM_001256789.3 (MANE Select); coding-DNA position 513, C replaced by A.
Protein change: p.Val171=; no amino-acid change (valine 171 retained).
Molecular consequence: synonymous variant.
Genome position (GRCh38, 1-based): chrX:49,230,858, G>T on the plus strand (C>A on the coding strand, the complement: CACNA1F is on the minus strand). VCF-style: chrX-49230858-G-T. GRCh37 (hg19) VCF-style: chrX-49087320-G-T.
Other names: c.318C>A, p.Val106= (NM_001256790.3); c.513C>A, p.Val171= (NM_005183.4); c.513C>A (NM_005183.3).
Identifiers: ClinVar variation 1407679 (VCV001407679.7), dbSNP rs2065870794, ClinGen allele CA516569001.

ClinVar aggregate classification (germline): Likely benign. Review status: criteria provided, multiple submitters, no conflicts (2 of 4 stars). 2 submissions from 2 submitters: Likely benign (2). Last evaluated 2025-05-08.

Conditions:
CACNA1F-related disorder. Also called: CACNA1F-related condition.

Allele frequency attached by ClinVar (database versions not stated): gnomAD exomes below 0.00001; TOPMed below 0.00001.
gnomAD v4.1: 2 of 1,179,832 alleles (0.00017%); highest among the groups gnomAD compares: South Asian, 0.0019%; no homozygotes.

Submissions (2):

PreventionGenetics, part of Exact Sciences
Classification: Likely benign for CACNA1F-related condition. Last evaluated: 2025-05-08. Review status: criteria provided, single submitter. Criteria: ACMG Guidelines, 2015. Collection method: clinical testing. Allele origin: germline.
Comment: This variant is classified as likely benign based on ACMG/AMP sequence variant interpretation guidelines (Richards et al. 2015 PMID: 25741868, with internal and published modifications).

Labcorp Genetics (formerly Invitae), Labcorp
Classification: Likely benign. Last evaluated: 2022-10-24. Review status: criteria provided, single submitter. Criteria: Invitae Variant Classification Sherloc (09022015). Collection method: clinical testing. Allele origin: germline.